The following is an entry in ClinVar:

ClinVar aggregate classification (germline): Conflicting classifications of pathogenicity. Review status: criteria provided, conflicting classifications (1 of 4 stars). 2 submissions from 2 submitters: Uncertain significance (1); Likely benign (1). Last evaluated 2026-01-24.

Conditions:
Familial hypocalciuric hypercalcemia (FHH). Also called: Familial benign hypercalcemia. Identifiers: Orphanet 405, MedGen C1809471, MONDO:0018458.
Autosomal dominant hypocalcemia 1 (HYPOC1). Also called: HYPOCALCEMIA, FAMILIAL. Identifiers: MedGen C3715128, MONDO:0011013, OMIM 601198.
Nephrolithiasis/nephrocalcinosis. Identifiers: MedGen CN580796.

Allele frequency attached by ClinVar (database versions not stated): gnomAD exomes 0.00002 and below 0.00001; TOPMed 0.00001; ExAC 0.00001.
gnomAD v4.1: 3 of 1,614,234 alleles (0.00019%); highest among the groups gnomAD compares: East Asian, 0.0022%; no homozygotes.

Submissions (2):

Labcorp Genetics (formerly Invitae), Labcorp
Classification: Likely benign for Familial hypocalciuric hypercalcemia; Autosomal dominant hypocalcemia 1. Last evaluated: 2026-01-24. Review status: criteria provided, single submitter. Criteria: Invitae Variant Classification Sherloc (09022015). Collection method: clinical testing. Allele origin: germline.

Ambry Genetics
Classification: Uncertain significance for Nephrolithiasis/nephrocalcinosis. Last evaluated: 2024-09-19. Review status: criteria provided, single submitter. Criteria: Ambry Variant Classification Scheme 2023. Collection method: clinical testing. Allele origin: germline.
Comment: The p.K291N variant (also known as c.873G>C), located in coding exon 3 of the CASR gene, results from a G to C substitution at nucleotide position 873. The lysine at codon 291 is replaced by asparagine, an amino acid with similar properties. This amino acid position is poorly conserved in available vertebrate species. In addition, this alteration is predicted to be tolerated by in silico analysis. Based on the available evidence, the clinical significance of this variant remains unclear.

NM_000388.4(CASR):c.873G>C (p.Lys291Asn)

Gene: CASR (calcium sensing receptor; plus strand). Cytogenetic location: 3q21.1.
Variant type: single nucleotide variant.
Coding change: c.873G>C on transcript NM_000388.4 (MANE Select); coding-DNA position 873, G replaced by C.
Protein change: p.Lys291Asn; replaces lysine 291 with asparagine.
Molecular consequence: missense variant.
Genome position (GRCh38, 1-based): chr3:122,261,908, G>C. VCF-style: chr3-122261908-G-C. GRCh37 (hg19) VCF-style: chr3-121980755-G-C.
Other names: c.873G>C, p.Lys291Asn (NM_001178065.2); short protein forms K291N.
Identifiers: ClinVar variation 853036 (VCV000853036.11), dbSNP rs748306088, ClinGen allele CA2569550.